The following is an entry in ClinVar:

NM_013339.4(ALG6):c.257+2T>C

Gene: ALG6 (ALG6 alpha-1,3-glucosyltransferase; plus strand). Cytogenetic location: 1p31.3.
Variant type: single nucleotide variant.
Coding change: c.257+2T>C on transcript NM_013339.4 (MANE Select); the canonical splice donor site of the intron after coding-DNA position 257, T replaced by C.
Molecular consequence: splice donor variant.
Genome position (GRCh38, 1-based): chr1:63,402,345, T>C. VCF-style: chr1-63402345-T-C. GRCh37 (hg19) VCF-style: chr1-63868016-T-C.
Identifiers: ClinVar variation 955909 (VCV000955909.8), dbSNP rs1644468935, ClinGen allele CA340634244.

ClinVar aggregate classification (germline): Likely pathogenic (1 of 4 stars; one submission).

Conditions:
ALG6-congenital disorder of glycosylation 1C (CDG1C). Also called: CARBOHYDRATE-DEFICIENT GLYCOPROTEIN SYNDROME, TYPE I, WITH DEFICIENT GLYCOSYLATION OF DOLICHOL-LINKED OLIGOSACCHARIDE; CARBOHYDRATE-DEFICIENT GLYCOPROTEIN SYNDROME, TYPE V; Congenital disorder of glycosylation type 1C; Congenital disorder of glycosylation, type Ic; CDG Ic. Identifiers: Orphanet 79320, MedGen C2930997, MONDO:0011291, OMIM 603147.

Submission:

Labcorp Genetics (formerly Invitae), Labcorp
Classification: Likely pathogenic for ALG6-congenital disorder of glycosylation 1C. Last evaluated: 2019-08-11. Review status: criteria provided, single submitter. Criteria: Invitae Variant Classification Sherloc (09022015). Collection method: clinical testing. Allele origin: germline.
Comment: In summary, the currently available evidence indicates that the variant is pathogenic, but additional data are needed to prove that conclusively. Therefore, this variant has been classified as Likely Pathogenic. Donor and acceptor splice site variants typically lead to a loss of protein function (PMID: 16199547), and loss-of-function variants in ALG6 are known to be pathogenic (PMID: 19862844). Algorithms developed to predict the effect of sequence changes on RNA splicing suggest that this variant may disrupt the consensus splice site, but this prediction has not been confirmed by published transcriptional studies. This variant has not been reported in the literature in individuals with ALG6-related conditions. This variant is not present in population databases (ExAC no frequency). This sequence change affects a donor splice site in intron 4 of the ALG6 gene. It is expected to disrupt RNA splicing and likely results in an absent or disrupted protein product.

Literature cited by the submitters: PubMed 16199547; PubMed 19862844.